The following is an entry in ClinVar:

NM_001197104.2(KMT2A):c.9343C>T (p.Pro3115Ser)

Gene: KMT2A (lysine methyltransferase 2A; plus strand). Cytogenetic location: 11q23.3.
Variant type: single nucleotide variant.
Coding change: c.9343C>T on transcript NM_001197104.2 (MANE Select); coding-DNA position 9343, C replaced by T.
Protein change: p.Pro3115Ser; replaces proline 3115 with serine.
Molecular consequence: missense variant.
Genome position (GRCh38, 1-based): chr11:118,505,235, C>T. VCF-style: chr11-118505235-C-T. GRCh37 (hg19) VCF-style: chr11-118375950-C-T.
Other names: c.9334C>T, p.Pro3112Ser (NM_005933.4); short protein forms P3115S, P3112S.
Identifiers: ClinVar variation 1425025 (VCV001425025.7), dbSNP rs140941483, ClinGen allele CA6304577.
Genomic context (GRCh38, chr11:118,505,235, plus strand): 5'-CAAACTCTTCCAAATGGAGTGACCCAAAAAATCCAATTGACCTCTTCTGTTAGTTCTACA[C>T]CCAGTGTGATGGAGACAAATACTTCAGTATTGGGACCCATGGGAGGTGGTCTCACCCTTA-3'
Protein context (NP_001184033.1, residues 3105-3125): IQLTSSVSST[Pro3115Ser]SVMETNTSVL

ClinVar aggregate classification (germline): Uncertain significance (1 of 4 stars; one submission).

Allele frequency attached by ClinVar (database versions not stated): 1000 Genomes Project 30x 0.00031; ESP Exome Variant Server 0.00031; gnomAD 0.00009; TOPMed 0.00010; 1000 Genomes Project 0.00020.
gnomAD v4.1: 19 of 1,614,058 alleles (0.0012%); highest among the groups gnomAD compares: African/African-American, 0.019%; no homozygotes.

Submission:

Labcorp Genetics (formerly Invitae), Labcorp
Classification: Uncertain significance. Last evaluated: 2025-12-03. Review status: criteria provided, single submitter. Criteria: Invitae Variant Classification Sherloc (09022015). Collection method: clinical testing. Allele origin: germline.
Comment: This sequence change replaces proline, which is neutral and non-polar, with serine, which is neutral and polar, at codon 3115 of the KMT2A protein (p.Pro3115Ser). This variant is present in population databases (rs140941483, gnomAD 0.01%). This variant has not been reported in the literature in individuals affected with KMT2A-related conditions. ClinVar contains an entry for this variant (Variation ID: 1425025). Invitae Evidence Modeling of protein sequence and biophysical properties (such as structural, functional, and spatial information, amino acid conservation, physicochemical variation, residue mobility, and thermodynamic stability) indicates that this missense variant is not expected to disrupt KMT2A protein function with a negative predictive value of 95%. In summary, the available evidence is currently insufficient to determine the role of this variant in disease. Therefore, it has been classified as a Variant of Uncertain Significance.